The following is an entry in ClinVar:

NM_007186.6(CEP250):c.2932C>T (p.Arg978Trp)

Gene: CEP250 (centrosomal protein 250; plus strand). Cytogenetic location: 20q11.22.
Variant type: single nucleotide variant.
Coding change: c.2932C>T on transcript NM_007186.6 (MANE Select); coding-DNA position 2932, C replaced by T.
Protein change: p.Arg978Trp; replaces arginine 978 with tryptophan.
Molecular consequence: missense variant.
Genome position (GRCh38, 1-based): chr20:35,493,471, C>T. VCF-style: chr20-35493471-C-T. GRCh37 (hg19) VCF-style: chr20-34081298-C-T.
Other names: c.1036C>T, p.Arg346Trp (NM_001318219.1); short protein forms R346W, R978W.
Identifiers: ClinVar variation 954206 (VCV000954206.10), dbSNP rs376499964, ClinGen allele CA9833333.

ClinVar aggregate classification (germline): Uncertain significance. Review status: criteria provided, multiple submitters, no conflicts (2 of 4 stars). 3 submissions from 3 submitters: Uncertain significance (3). Last evaluated 2025-08-13.

Conditions:
CEP250-related disorder. Also called: CEP250-related condition.

Allele frequency attached by ClinVar (database versions not stated): TOPMed 0.00003; gnomAD 0.00004 and 0.00005; gnomAD exomes 0.00004 and 0.00006; ExAC 0.00005; ESP Exome Variant Server 0.00008; 1000 Genomes Project 30x 0.00016; 1000 Genomes Project 0.00020.
gnomAD v4.1: 101 of 1,609,772 alleles (0.0063%); highest among the groups gnomAD compares: Non-Finnish European, 0.0076%; no homozygotes.

Submissions (3):

PreventionGenetics, part of Exact Sciences
Classification: Uncertain significance for CEP250-related condition. Last evaluated: 2025-08-13. Review status: criteria provided, single submitter. Criteria: ACMG Guidelines, 2015. Collection method: clinical testing. Allele origin: germline.
Comment: The CEP250 c.2932C>T variant is predicted to result in the amino acid substitution p.Arg978Trp. To our knowledge, this variant has not been reported in the literature. This variant is reported in 0.010% of alleles in individuals of East Asian descent in gnomAD. At this time, the clinical significance of this variant is uncertain due to the absence of conclusive functional and genetic evidence.

Blueprint Genetics
Classification: Uncertain significance. Last evaluated: 2024-08-26. Review status: criteria provided, single submitter. Criteria: ACMG Guidelines, 2015. Collection method: clinical testing. Allele origin: germline.

Labcorp Genetics (formerly Invitae), Labcorp
Classification: Uncertain significance. Last evaluated: 2023-08-04. Review status: criteria provided, single submitter. Criteria: Invitae Variant Classification Sherloc (09022015). Collection method: clinical testing. Allele origin: germline.
Comment: In summary, the available evidence is currently insufficient to determine the role of this variant in disease. Therefore, it has been classified as a Variant of Uncertain Significance. Algorithms developed to predict the effect of missense changes on protein structure and function output the following: SIFT: "Not Available"; PolyPhen-2: "Benign"; Align-GVGD: "Not Available". The tryptophan amino acid residue is found in multiple mammalian species, which suggests that this missense change does not adversely affect protein function. ClinVar contains an entry for this variant (Variation ID: 954206). This variant has not been reported in the literature in individuals affected with CEP250-related conditions. This variant is present in population databases (rs376499964, gnomAD 0.01%). This sequence change replaces arginine, which is basic and polar, with tryptophan, which is neutral and slightly polar, at codon 978 of the CEP250 protein (p.Arg978Trp).